The following is an entry in ClinVar:

NM_001943.5(DSG2):c.3112A>G (p.Ile1038Val)

Genes: DSG2 (desmoglein 2; plus strand), DSG2-AS1 (DSG2 antisense RNA 1; minus strand). Cytogenetic location: 18q12.1.
Variant type: single nucleotide variant.
Coding change: c.3112A>G on transcript NM_001943.5 (MANE Select); coding-DNA position 3112, A replaced by G.
Protein change: p.Ile1038Val; replaces isoleucine 1038 with valine.
Molecular consequence: missense variant.
Genome position (GRCh38, 1-based): chr18:31,546,498, A>G. VCF-style: chr18-31546498-A-G. GRCh37 (hg19) VCF-style: chr18-29126461-A-G.
Other names: c.3112A>G (LRG_397t1); short protein forms I1038V.
Identifiers: ClinVar variation 326490 (VCV000326490.18), dbSNP rs774113529, ClinGen allele CA047923.
Genomic context (GRCh38, chr18:31,546,498, plus strand): 5'-GAAAGAGAGAGCTTCCTTGCCCCCAGCTCAGGTGTGCAGCCTACTCTGGCCATGCCTAAT[A>G]TAGCAGTAGGACAGAATGTGACAGTGACAGAAAGAGTTCTAGCACCTGCTTCCACTCTGC-3'
Protein context (NP_001934.2, residues 1028-1048): GVQPTLAMPN[Ile1038Val]AVGQNVTVTE

ClinVar aggregate classification (germline): Conflicting classifications of pathogenicity. Review status: criteria provided, conflicting classifications (1 of 4 stars). 5 submissions from 5 submitters: Uncertain significance (2); Likely benign (3). Last evaluated 2024-11-11.

Conditions:
Cardiovascular phenotype. Identifiers: MedGen CN230736.
Arrhythmogenic right ventricular cardiomyopathy (ARVD). Also called: Arrhythmogenic cardiomyopathy; Arrhythmogenic Right Ventricular Cardiomyopathy (ARVC); Cardiomyopathy, ARVC; Arrhythmogenic right ventricular dysplasia. Identifiers: Orphanet 247, MedGen C0349788, MeSH D019571, MONDO:0016587. Disease mechanism: loss of function. Inheritance: Various modes of inheritance.
Cardiomyopathy (CMYO). Also called: Cardiomyopathies. Identifiers: Orphanet 167848, MedGen C0878544, MONDO:0004994, HP:0001638. Inheritance: Various modes of inheritance.
Arrhythmogenic right ventricular dysplasia 10. Also called: ARRHYTHMOGENIC RIGHT VENTRICULAR DYSPLASIA, FAMILIAL, 10; Arrhythmogenic Right Ventricular Dysplasia/Cardiomyopathy10; Arrhythmogenic right ventricular dysplasia/cardiomyopathy, type 10. Identifiers: MedGen C1857777, MONDO:0012434, OMIM 610193.

Allele frequency attached by ClinVar (database versions not stated): TOPMed below 0.00001; gnomAD exomes 0.00002; ExAC 0.00003; 1000 Genomes Project 30x 0.00016.
gnomAD v4.1: 11 of 1,614,200 alleles (0.00068%); highest among the groups gnomAD compares: East Asian, 0.0089%; no homozygotes.

Submissions (5):

Ambry Genetics
Classification: Likely benign for Cardiovascular phenotype. Last evaluated: 2024-11-11. Review status: criteria provided, single submitter. Criteria: Ambry Variant Classification Scheme 2023. Collection method: clinical testing. Allele origin: germline.

Color Diagnostics, LLC DBA Color Health
Classification: Likely benign for Cardiomyopathy. Last evaluated: 2024-08-29. Review status: criteria provided, single submitter. Criteria: ACMG Guidelines, 2015. Collection method: clinical testing. Allele origin: germline.

All of Us Research Program, National Institutes of Health
Classification: Likely benign for Arrhythmogenic right ventricular cardiomyopathy. Last evaluated: 2023-03-04. Review status: criteria provided, single submitter. Criteria: ACMG Guidelines, 2015. Collection method: clinical testing. Allele origin: germline. Inheritance: Autosomal dominant inheritance. Observed: 1 variant allele, 1 heterozygote.
Comment: This study involves interpretation of variants in research participants for the purpose of population health screening. Participant phenotype was not available at the time of variant classification. Additional details can be found in publication PMID: 35346344, PMCID: PMC8962531

Labcorp Genetics (formerly Invitae), Labcorp
Classification: Uncertain significance for Arrhythmogenic right ventricular dysplasia 10. Last evaluated: 2022-09-01. Review status: criteria provided, single submitter. Criteria: Invitae Variant Classification Sherloc (09022015). Collection method: clinical testing. Allele origin: germline.
Comment: In summary, the available evidence is currently insufficient to determine the role of this variant in disease. Therefore, it has been classified as a Variant of Uncertain Significance. Algorithms developed to predict the effect of missense changes on protein structure and function output the following: SIFT: "Tolerated"; PolyPhen-2: "Benign"; Align-GVGD: "Class C0". The valine amino acid residue is found in multiple mammalian species, which suggests that this missense change does not adversely affect protein function. ClinVar contains an entry for this variant (Variation ID: 326490). This variant has not been reported in the literature in individuals affected with DSG2-related conditions. This variant is present in population databases (rs774113529, gnomAD 0.01%). This sequence change replaces isoleucine, which is neutral and non-polar, with valine, which is neutral and non-polar, at codon 1038 of the DSG2 protein (p.Ile1038Val).

Illumina Laboratory Services, Illumina
Classification: Uncertain significance for Arrhythmogenic right ventricular dysplasia 10. Last evaluated: 2018-01-13. Review status: criteria provided, single submitter. Criteria: ICSL Variant Classification Criteria 13 December 2019. Collection method: clinical testing. Allele origin: germline.